The following is an entry in ClinVar:

NM_000444.6(PHEX):c.2196C>A (p.Asn732Lys)

Genes: PHEX (phosphate regulating endopeptidase X-linked; plus strand), PTCHD1-AS (PTCHD1 and PHEX antisense RNA; minus strand). Cytogenetic location: Xp22.11.
Variant type: single nucleotide variant.
Coding change: c.2196C>A on transcript NM_000444.6 (MANE Select); coding-DNA position 2196, C replaced by A.
Protein change: p.Asn732Lys; replaces asparagine 732 with lysine.
Molecular consequence: missense variant. On other transcripts: 3 prime UTR variant (1).
Genome position (GRCh38, 1-based): chrX:22,247,899, C>A. VCF-style: chrX-22247899-C-A. GRCh37 (hg19) VCF-style: chrX-22266016-C-A.
Other names: c.*31C>A (NM_001282754.2); short protein forms N732K.
Identifiers: ClinVar variation 2200453 (VCV002200453.17), dbSNP rs376952568, ClinGen allele CA327534657.
Genomic context (GRCh38, chrX:22,247,899, plus strand): 5'-ATCGTTTTTCAGGGTCAATGGTGCAATTAGTAACTTTGAAGAATTCCAGAAAGCTTTTAA[C>A]TGTCCACCCAATTCCACGATGAACAGAGGCATGGACTCCTGCCGACTCTGGTAGCTGGGA-3'
Protein context (NP_000435.3, residues 722-742): SNFEEFQKAF[Asn732Lys]CPPNSTMNRG

ClinVar aggregate classification (germline): Likely benign. Review status: criteria provided, multiple submitters, no conflicts (2 of 4 stars). 2 submissions from 2 submitters: Likely benign (2). Last evaluated 2025-03-17.

Allele frequency attached by ClinVar (database versions not stated): gnomAD exomes 0.00002; gnomAD 0.00003; TOPMed 0.00003; ESP Exome Variant Server 0.00009.
gnomAD v4.1: 24 of 1,208,718 alleles (0.002%); highest among the groups gnomAD compares: Non-Finnish European, 0.00034%; no homozygotes.

Submissions (2):

Labcorp Genetics (formerly Invitae), Labcorp
Classification: Likely benign. Last evaluated: 2025-03-17. Review status: criteria provided, single submitter. Criteria: Invitae Variant Classification Sherloc (09022015). Collection method: clinical testing. Allele origin: germline.

CeGaT Center for Human Genetics Tuebingen
Classification: Likely benign. Last evaluated: 2025-02-01. Review status: criteria provided, single submitter. Criteria: CeGaT Center For Human Genetics Tuebingen Variant Classification Criteria Version 2. Collection method: clinical testing. Allele origin: germline. Affected: yes. Observed: 1 variant allele.
Comment: PHEX: BP4, BS2